The following is an entry in ClinVar:

NM_014425.5(INVS):c.1056G>C (p.Met352Ile)

Gene: INVS (inversin; plus strand). Cytogenetic location: 9q31.1.
Variant type: single nucleotide variant.
Coding change: c.1056G>C on transcript NM_014425.5 (MANE Select); coding-DNA position 1056, G replaced by C.
Protein change: p.Met352Ile; replaces methionine 352 with isoleucine.
Molecular consequence: missense variant. On other transcripts: non-coding transcript variant (1).
Genome position (GRCh38, 1-based): chr9:100,246,765, G>C. VCF-style: chr9-100246765-G-C. GRCh37 (hg19) VCF-style: chr9-103009047-G-C.
Other names: c.768G>C, p.Met256Ile (NM_001318381.2); c.78G>C, p.Met26Ile (NM_001318382.2); short protein forms M26I, M352I, M256I.
Identifiers: ClinVar variation 838323 (VCV000838323.1), dbSNP rs752714293, ClinGen allele CA5158311.
Genomic context (GRCh38, chr9:100,246,765, plus strand): 5'-AGGCAGTGATGATGTCCTTAGAACTATGCTGAGCTTAAAATCGGACATAGATATTAACAT[G>C]GCTGACAAATATGGAGGTACAGGTGAGAACTGGTGGACACATTCAATTTGCTTTCATTTA-3'
Protein context (NP_055240.2, residues 342-362): LSLKSDIDIN[Met352Ile]ADKYGGTALH

ClinVar aggregate classification (germline): Uncertain significance (1 of 4 stars; one submission).

Conditions:
Nephronophthisis. Also called: Juvenile Nephronophthisis. Identifiers: Orphanet 655, MedGen C0687120, MONDO:0019005, HP:0000090.

Allele frequency attached by ClinVar (database versions not stated): gnomAD 0.00001; TOPMed 0.00001; gnomAD exomes 0.00009; ExAC 0.00018.
gnomAD v4.1: 66 of 1,613,928 alleles (0.0041%); highest among the groups gnomAD compares: Non-Finnish European, 0.0038%; no homozygotes.

Submission:

Labcorp Genetics (formerly Invitae), Labcorp
Classification: Uncertain significance for Nephronophthisis. Last evaluated: 2020-01-02. Review status: criteria provided, single submitter. Criteria: Invitae Variant Classification Sherloc (09022015). Collection method: clinical testing. Allele origin: germline.
Comment: This sequence change replaces methionine with isoleucine at codon 352 of the INVS protein (p.Met352Ile). The methionine residue is highly conserved and there is a small physicochemical difference between methionine and isoleucine. This variant is present in population databases (rs752714293, ExAC 0.03%). This variant has not been reported in the literature in individuals with INVS-related conditions. Algorithms developed to predict the effect of missense changes on protein structure and function (SIFT, PolyPhen-2, Align-GVGD) all suggest that this variant is likely to be tolerated, but these predictions have not been confirmed by published functional studies and their clinical significance is uncertain. In summary, the available evidence is currently insufficient to determine the role of this variant in disease. Therefore, it has been classified as a Variant of Uncertain Significance.